The following is an entry in ClinVar:

ClinVar aggregate classification (germline): Uncertain significance (1 of 4 stars; one submission).

Conditions:
Congenital insensitivity to pain-hypohidrosis syndrome. Also called: HSAN VIII; Neuropathy, hereditary sensory and autonomic, type VIII. Identifiers: Orphanet 478664, MedGen C4225308, MONDO:0014662, OMIM 616488.

Allele frequency attached by ClinVar (database versions not stated): gnomAD exomes 0.00005 and 0.00007; gnomAD 0.00005 and 0.00006; TOPMed 0.00005; ExAC 0.00007.
gnomAD v4.1: 85 of 1,613,252 alleles (0.0053%); highest among the groups gnomAD compares: Middle Eastern, 0.033%; no homozygotes.

Submission:

Labcorp Genetics (formerly Invitae), Labcorp
Classification: Uncertain significance for Congenital insensitivity to pain-hypohidrosis syndrome. Last evaluated: 2025-08-18. Review status: criteria provided, single submitter. Criteria: Invitae Variant Classification Sherloc (09022015). Collection method: clinical testing. Allele origin: germline.
Comment: This sequence change replaces isoleucine, which is neutral and non-polar, with threonine, which is neutral and polar, at codon 189 of the PRDM12 protein (p.Ile189Thr). This variant is present in population databases (rs768492772, gnomAD 0.01%). This variant has not been reported in the literature in individuals affected with PRDM12-related conditions. ClinVar contains an entry for this variant (Variation ID: 1468248). Invitae Evidence Modeling of protein sequence and biophysical properties (such as structural, functional, and spatial information, amino acid conservation, physicochemical variation, residue mobility, and thermodynamic stability) indicates that this missense variant is not expected to disrupt PRDM12 protein function with a negative predictive value of 80%. In summary, the available evidence is currently insufficient to determine the role of this variant in disease. Therefore, it has been classified as a Variant of Uncertain Significance.

NM_021619.3(PRDM12):c.566T>C (p.Ile189Thr)

Gene: PRDM12 (PR/SET domain 12; plus strand). Cytogenetic location: 9q34.12.
Variant type: single nucleotide variant.
Coding change: c.566T>C on transcript NM_021619.3 (MANE Select); coding-DNA position 566, T replaced by C.
Protein change: p.Ile189Thr; replaces isoleucine 189 with threonine.
Molecular consequence: missense variant.
Genome position (GRCh38, 1-based): chr9:130,668,309, T>C. VCF-style: chr9-130668309-T-C. GRCh37 (hg19) VCF-style: chr9-133543696-T-C.
Other names: short protein forms I189T.
Identifiers: ClinVar variation 1468248 (VCV001468248.6), dbSNP rs768492772, ClinGen allele CA5284566.
Genomic context (GRCh38, chr9:130,668,309, plus strand): 5'-ACGAACAGGAGCAGAACCTGGAGGTGGTCCAGATCGGCACCAGCATCTTCTACAAGGCCA[T>C]TGAGGTGTGTGTGTGTGTGTGCACTGTTGTGTAGGGACCAGCCGGTAAACCCGGCGGGGG-3'
Protein context (NP_067632.2, residues 179-199): QIGTSIFYKA[Ile189Thr]EMIPPDQELL